The following is an entry in ClinVar:

NM_000466.3(PEX1):c.545G>A (p.Arg182His)

Gene: PEX1 (peroxisomal biogenesis factor 1; minus strand). Cytogenetic location: 7q21.2.
Variant type: single nucleotide variant.
Coding change: c.545G>A on transcript NM_000466.3 (MANE Select); coding-DNA position 545, G replaced by A.
Protein change: p.Arg182His; replaces arginine 182 with histidine.
Molecular consequence: missense variant. On other transcripts: 5 prime UTR variant (1).
Genome position (GRCh38, 1-based): chr7:92,517,970, C>T on the plus strand (G>A on the coding strand, the complement: PEX1 is on the minus strand). VCF-style: chr7-92517970-C-T. GRCh37 (hg19) VCF-style: chr7-92147284-C-T.
Other names: c.545G>A (NM_000466.2); c.545G>A, p.Arg182His (NM_001282677.2); c.-80G>A (NM_001282678.2); short protein forms R182H.
Identifiers: ClinVar variation 2157476 (VCV002157476.4), dbSNP rs199591182, ClinGen allele CA4341577.
Genomic context (GRCh38, chr7:92,517,970, plus strand): 5'-TAACTATGAAGTTTTTTATATTCAGCATCAGCTTTTGAAAATGTATTCTCTTTGGCTCGG[C>T]GTGTCTTTGGCTGAATAAGGAGTTTGGTGTCAGTTTCCAGCCTTCCATAAGAGGCAGCTG-3'
Protein context (NP_000457.1, residues 172-192): DTKLLIQPKT[Arg182His]RAKENTFSKA

ClinVar aggregate classification (germline): Uncertain significance. Review status: criteria provided, multiple submitters, no conflicts (2 of 4 stars). 3 submissions from 3 submitters: Uncertain significance (3). Last evaluated 2024-11-20.

Conditions:
Zellweger spectrum disorders (ZS). Also called: Zellweger syndrome; Zellweger Spectrum Disorder (ZSD); Zellweger Spectrum Disorder; Zellweger Spectrum. Identifiers: Orphanet 912, MedGen C0043459, MONDO:0019609.
PEX1-related disorder. Also called: PEX1-related condition.
Inborn genetic diseases. Identifiers: MedGen C0950123, MeSH D030342.

Allele frequency attached by ClinVar (database versions not stated): gnomAD 0.00001; TOPMed 0.00001; ExAC 0.00002; gnomAD exomes 0.00002; 1000 Genomes Project 30x 0.00016; 1000 Genomes Project 0.00020.
gnomAD v4.1: 28 of 1,611,920 alleles (0.0017%); highest among the groups gnomAD compares: Admixed American, 0.0034%; no homozygotes.

Submissions (3):

PreventionGenetics, part of Exact Sciences
Classification: Uncertain significance for PEX1-related condition. Last evaluated: 2024-11-20. Review status: criteria provided, single submitter. Criteria: ACMG Guidelines, 2015. Collection method: clinical testing. Allele origin: germline.
Comment: The PEX1 c.545G>A variant is predicted to result in the amino acid substitution p.Arg182His. To our knowledge, this variant has not been reported in the literature. This variant is reported in 0.0055% of alleles in individuals of East Asian descent in gnomAD. At this time, the clinical significance of this variant is uncertain due to the absence of conclusive functional and genetic evidence.

Ambry Genetics
Classification: Uncertain significance for Inborn genetic diseases. Last evaluated: 2023-04-18. Review status: criteria provided, single submitter. Criteria: Ambry Variant Classification Scheme 2023. Collection method: clinical testing. Allele origin: germline.

Labcorp Genetics (formerly Invitae), Labcorp
Classification: Uncertain significance for Zellweger spectrum disorders. Last evaluated: 2022-09-12. Review status: criteria provided, single submitter. Criteria: Invitae Variant Classification Sherloc (09022015). Collection method: clinical testing. Allele origin: germline.
Comment: This sequence change replaces arginine, which is basic and polar, with histidine, which is basic and polar, at codon 182 of the PEX1 protein (p.Arg182His). This variant is present in population databases (rs199591182, gnomAD 0.003%). This variant has not been reported in the literature in individuals affected with PEX1-related conditions. Advanced modeling of protein sequence and biophysical properties (such as structural, functional, and spatial information, amino acid conservation, physicochemical variation, residue mobility, and thermodynamic stability) performed at Invitae indicates that this missense variant is not expected to disrupt PEX1 protein function. In summary, the available evidence is currently insufficient to determine the role of this variant in disease. Therefore, it has been classified as a Variant of Uncertain Significance.